The following is an entry in ClinVar:

NM_001386298.1(CIC):c.5420C>A (p.Pro1807His)

Gene: CIC (capicua transcriptional repressor; plus strand). Cytogenetic location: 19q13.2.
Variant type: single nucleotide variant.
Coding change: c.5420C>A on transcript NM_001386298.1 (MANE Select); coding-DNA position 5420, C replaced by A.
Protein change: p.Pro1807His; replaces proline 1807 with histidine.
Molecular consequence: missense variant.
Genome position (GRCh38, 1-based): chr19:42,291,461, C>A. VCF-style: chr19-42291461-C-A. GRCh37 (hg19) VCF-style: chr19-42795613-C-A.
Other names: c.5420C>A, p.Pro1807His (NM_001304815.2, NM_001379480.1, NM_001379482.1 and 6 more transcripts); c.2693C>A, p.Pro898His (NM_001379484.1, NM_001379485.1, NM_001439189.1 and 3 more transcripts); short protein forms P1807H, P898H.
Identifiers: ClinVar variation 4983404 (VCV004983404.1).

ClinVar aggregate classification (germline): Uncertain significance (1 of 4 stars; one submission).

Conditions:
CIC-related disorder. Also called: CIC-related condition.

gnomAD v4.1: 104 of 1,613,024 alleles (0.0064%); highest among the groups gnomAD compares: Non-Finnish European, 0.0086%; no homozygotes.

Submission:

PreventionGenetics, part of Exact Sciences
Classification: Uncertain significance for CIC-related condition. Last evaluated: 2025-02-26. Review status: criteria provided, single submitter. Criteria: ACMG Guidelines, 2015. Collection method: clinical testing. Allele origin: germline.
Comment: The CIC c.2693C>A variant is predicted to result in the amino acid substitution p.Pro898His. To our knowledge, this variant has not been reported in the literature. This variant is reported in 0.0033% of alleles in individuals of South Asian descent in gnomAD. At this time, the clinical significance of this variant is uncertain due to the absence of conclusive functional and genetic evidence.